The following is an entry in ClinVar:

ClinVar aggregate classification (germline): Likely pathogenic (0 of 4 stars; one submission).

Conditions:
Pyruvate dehydrogenase E1-alpha deficiency (PDHAD). Also called: ATAXIA, INTERMITTENT, WITH PYRUVATE DEHYDROGENASE DEFICIENCY; ATAXIA WITH LACTIC ACIDOSIS I; ATAXIA, INTERMITTENT, WITH ABNORMAL PYRUVATE METABOLISM; Ataxia, intermittent, with pyruvate dehydrogenase, or decarboxylase, deficiency. Identifiers: Orphanet 79243, MedGen C1839413, MONDO:0010717, OMIM 312170.

Submission:

PDHA1 Study Group, University Children’s Hospital, Paracelsus Medical University
Classification: Likely pathogenic for Pyruvate dehydrogenase E1-alpha deficiency. Last evaluated: 2024-10-15. Review status: no assertion criteria provided. Collection method: research. Allele origin: germline. Affected: yes. Observed: 3 variant alleles.
Comment: The NM_000284.3:c.148C>T (p.Pro50Ser) substitution is a missense variant in PDHA1 gene.In total, 3 individuals were diagnosed with PDHA1-related Pyruvate dehydrogenase complex (PDHc) deficiency (MIM #312170). These include . The variant has been reported in 3 published cases (PMIDs: 29204204). Last literature search: July 12, 2024. This variant is absent or extremely rare in population-based cohorts in the Genome Aggregation Database (gnomAD). Individuals harboring this variant presented with clinical features compatible with PDHA1-related PDHc deficiency. In summary, this variant meets criteria to be classified as likely pathogenic (LP) for PDHA1-related PDHc deficiency based on the ACMG/AMP criteria applied: PM1, PM2, PP3, PP4 (last assessment October 15, 2024).

Literature cited by the submitters: PubMed 29204204; DOI 10.1093/brain/awaf430.

NM_000284.4(PDHA1):c.148C>T (p.Pro50Ser)

Gene: PDHA1 (pyruvate dehydrogenase E1 subunit alpha 1; plus strand). Cytogenetic location: Xp22.12.
Variant type: single nucleotide variant.
Coding change: c.148C>T on transcript NM_000284.4 (MANE Select); coding-DNA position 148, C replaced by T.
Protein change: p.Pro50Ser; replaces proline 50 with serine.
Molecular consequence: missense variant.
Genome position (GRCh38, 1-based): chrX:19,349,967, C>T. VCF-style: chrX-19349967-C-T. GRCh37 (hg19) VCF-style: chrX-19368085-C-T.
Other names: c.262C>T, p.Pro88Ser (NM_001173454.2); c.148C>T, p.Pro50Ser (NM_001173455.2, NM_001173456.2); short protein forms P50S, P88S.
Identifiers: ClinVar variation 4070485 (VCV004070485.1).